The following is an entry in ClinVar:

ClinVar aggregate classification (germline): Benign/Likely benign. Review status: criteria provided, multiple submitters, no conflicts (2 of 4 stars). 2 submissions from 2 submitters: Benign (1); Likely benign (1). Last evaluated 2024-10-29.

Conditions:
Oligodontia-cancer predisposition syndrome. Also called: TOOTH AGENESIS-COLORECTAL CANCER SYNDROME. Identifiers: Orphanet 300576, MedGen C1837750, MONDO:0012075, OMIM 608615. Disease mechanism: loss of function.

Submissions (2):

Labcorp Genetics (formerly Invitae), Labcorp
Classification: Likely benign for Oligodontia-cancer predisposition syndrome. Last evaluated: 2024-10-29. Review status: criteria provided, single submitter. Criteria: Invitae Variant Classification Sherloc (09022015). Collection method: clinical testing. Allele origin: germline.

Myriad Genetics, Inc.
Classification: Benign for Oligodontia-cancer predisposition syndrome. Last evaluated: 2024-07-01. Review status: criteria provided, single submitter. Criteria: Myriad Autosomal Dominant, Autosomal Recessive and X-Linked Classification Criteria (2023). Collection method: clinical testing. Allele origin: unknown.
Comment: This variant is considered benign. This variant is a silent/synonymous amino acid change and it is not expected to impact splicing.

NM_004655.4(AXIN2):c.1071C>T (p.Arg357=)

Gene: AXIN2 (axin 2; minus strand). Cytogenetic location: 17q24.1.
Variant type: single nucleotide variant.
Coding change: c.1071C>T on transcript NM_004655.4 (MANE Select); coding-DNA position 1071, C replaced by T.
Protein change: p.Arg357=; no amino-acid change (arginine 357 retained).
Molecular consequence: synonymous variant.
Genome position (GRCh38, 1-based): chr17:65,538,332, G>A on the plus strand (C>T on the coding strand, the complement: AXIN2 is on the minus strand). VCF-style: chr17-65538332-G-A. GRCh37 (hg19) VCF-style: chr17-63534450-G-A.
Other names: c.1071C>T, p.Arg357= (NM_001363813.1).
Identifiers: ClinVar variation 3379228 (VCV003379228.3).